The following is an entry in ClinVar:

ClinVar aggregate classification (germline): Pathogenic (1 of 4 stars; one submission).

Submission:

GeneDx
Classification: Pathogenic. Last evaluated: 2017-12-01. Review status: criteria provided, single submitter. Criteria: GeneDx Variant Classification (06012015). Collection method: clinical testing. Allele origin: germline. Affected: yes.
Comment: Although the c.469delA pathogenic variant in the ENG gene has not been reported to our knowledge, this variant causes a shift in reading frame starting at codon threonine 157, changing it to a proline, and creating a premature stop codon at position 6 of the new reading frame, denoted p.Thr157ProfsX6. This pathogenic variant is expected to result in either an abnormal, truncated protein product or loss of protein from this allele through nonsense-mediated mRNA decay. Other frameshift variants in the ENG gene have been reported in Human Gene Mutation Database in association with HHT (Stenson et al., 2014), indicating that loss of function is a mechanism of disease for this gene. Furthermore, the c.469delA variant has not been observed in large population cohorts (Lek et al., 2016).

NM_001114753.3(ENG):c.469del (p.Thr157fs)

Gene: ENG (endoglin; minus strand). Cytogenetic location: 9q34.11.
Variant type: Deletion.
Coding change: c.469del on transcript NM_001114753.3 (MANE Select); coding-DNA position 469, one base deleted (A; older notation c.469delA).
Protein change: p.Thr157fs; shifts the reading frame from threonine 157.
Molecular consequence: frameshift variant. On other transcripts: 5 prime UTR variant (1).
Genome position (GRCh38, 1-based): chr9:127,826,564, T deleted on the plus strand (A on the coding strand, the reverse complement: ENG is on the minus strand). VCF-style (leftmost placement, unchanged base first): chr9-127826563-GT-G. GRCh37 (hg19) VCF-style: chr9-130588842-GT-G.
Other names: c.469delA, p.Thr157Profs (NM_000118.4, NM_001406715.1); c.-78del (NM_001278138.2); short protein forms T157fs.
Identifiers: ClinVar variation 503866 (VCV000503866.4), dbSNP rs1554810494, ClinGen allele CA658797295.